The following is an entry in ClinVar:

ClinVar aggregate classification (germline): Conflicting classifications of pathogenicity. Review status: criteria provided, conflicting classifications (1 of 4 stars). 2 submissions from 2 submitters: Uncertain significance (1); Likely benign (1). Last evaluated 2025-04-10.

Conditions:
Hereditary cancer-predisposing syndrome. Also called: Neoplastic Syndromes, Hereditary; Hereditary neoplastic syndrome; Tumor predisposition; Hereditary Cancer Syndrome. Identifiers: Orphanet 140162, MedGen C0027672, MeSH D009386, MONDO:0015356.
Gorlin syndrome. Also called: Nevoid Basal Cell Carcinoma Syndrome; Basal cell nevus syndrome. Identifiers: Orphanet 377, MedGen C0004779, MONDO:0007187.

Submissions (2):

Labcorp Genetics (formerly Invitae), Labcorp
Classification: Likely benign for Gorlin syndrome. Last evaluated: 2025-04-10. Review status: criteria provided, single submitter. Criteria: Invitae Variant Classification Sherloc (09022015). Collection method: clinical testing. Allele origin: germline.

Ambry Genetics
Classification: Uncertain significance for Hereditary cancer-predisposing syndrome. Last evaluated: 2023-12-15. Review status: criteria provided, single submitter. Criteria: Ambry Variant Classification Scheme 2023. Collection method: clinical testing. Allele origin: germline.
Comment: The c.1728+4A>G intronic variant results from an A to G substitution 4 nucleotides after coding exon 12 in the PTCH1 gene. This nucleotide position is not well conserved in available vertebrate species. In silico splice site analysis predicts that this alteration will not have any significant effect on splicing. Since supporting evidence is limited at this time, the clinical significance of this alteration remains unclear.

NM_000264.5(PTCH1):c.1728+4A>G

Gene: PTCH1 (patched 1; minus strand). Cytogenetic location: 9q22.32.
Variant type: single nucleotide variant.
Coding change: c.1728+4A>G on transcript NM_000264.5 (MANE Select); 4 bases into the intron after coding-DNA position 1728, A replaced by G.
Molecular consequence: intron variant.
Genome position (GRCh38, 1-based): chr9:95,476,030, T>C on the plus strand (A>G on the coding strand, the complement: PTCH1 is on the minus strand). VCF-style: chr9-95476030-T-C. GRCh37 (hg19) VCF-style: chr9-98238312-T-C.
Other names: c.1275+4A>G (NM_001083606.3, NM_001083607.3, NM_001083605.3 and 1 more transcripts); c.1725+4A>G (NM_001083603.3); c.1530+4A>G (NM_001083602.3); c.1572+4A>G (NM_001354918.2); c.1728+4A>G (NM_000264.3).
Identifiers: ClinVar variation 1936080 (VCV001936080.6), dbSNP rs2118247787, ClinGen allele CA2579389120.